The following is an entry in ClinVar:

NM_001244710.2(GFPT1):c.332G>A (p.Arg111His)

Gene: GFPT1 (glutamine--fructose-6-phosphate transaminase 1; minus strand). Cytogenetic location: 2p13.3.
Variant type: single nucleotide variant.
Coding change: c.332G>A on transcript NM_001244710.2 (MANE Select); coding-DNA position 332, G replaced by A.
Protein change: p.Arg111His; replaces arginine 111 with histidine.
Molecular consequence: missense variant.
Genome position (GRCh38, 1-based): chr2:69,363,562, C>T on the plus strand (G>A on the coding strand, the complement: GFPT1 is on the minus strand). VCF-style: chr2-69363562-C-T. GRCh37 (hg19) VCF-style: chr2-69590694-C-T.
Other names: c.332G>A, p.Arg111His (NM_002056.4); short protein forms R111H.
Identifiers: ClinVar variation 1073321 (VCV001073321.29), dbSNP rs189717232, ClinGen allele CA1693925.

ClinVar aggregate classification (germline): Pathogenic/Likely pathogenic. Review status: criteria provided, multiple submitters, no conflicts (2 of 4 stars). 4 submissions from 4 submitters: Pathogenic (2); Likely pathogenic (2). Last evaluated 2025-02-17.

Conditions:
Congenital myasthenic syndrome (CMS). Also called: Congenital Myasthenic Syndromes. Identifiers: Orphanet 590, MedGen C0751882, MeSH D020294, MONDO:0018940.
Congenital myasthenic syndrome 12 (CMS12). Also called: MYASTHENIC SYNDROME, CONGENITAL, WITH TUBULAR AGGREGATES 1; Myasthenia, congenital, 12, with tubular aggregates. Identifiers: Orphanet 353327, Orphanet 590, MedGen C3552335, MONDO:0012518, OMIM 610542.

Allele frequency attached by ClinVar (database versions not stated): TOPMed below 0.00001; gnomAD 0.00001; gnomAD exomes 0.00001 and 0.00002; ExAC 0.00002; 1000 Genomes Project 30x 0.00016; 1000 Genomes Project 0.00020.
gnomAD v4.1: 36 of 1,614,010 alleles (0.0022%); highest among the groups gnomAD compares: East Asian, 0.0045%; no homozygotes.

Submissions (4):

Women's Health and Genetics/Laboratory Corporation of America, LabCorp
Classification: Pathogenic for Congenital myasthenic syndrome. Last evaluated: 2025-02-17. Review status: criteria provided, single submitter. Criteria: LabCorp Variant Classification Summary - May 2015. Collection method: clinical testing. Allele origin: germline.
Comment: Variant summary: GFPT1 c.332G>A (p.Arg111His) results in a non-conservative amino acid change in the encoded protein sequence. Four of five in-silico tools predict a damaging effect of the variant on protein function. The variant allele was found at a frequency of 8e-06 in 251382 control chromosomes (gnomAD). c.332G>A has been reported in the literature in multiple individuals affected with Congenital Myasthenic Syndrome (e.g. Bauche_2017, Jiang_2022, Akbar_2023). These data indicate that the variant is very likely to be associated with disease. A different variant affecting the same codon has been classified as pathogenic by our lab (c.331C>T, p.Arg111Cys), supporting the critical relevance of codon 111 to GFPT1 protein function. The following publications have been ascertained in the context of this evaluation (PMID: 28712002, 34978387, 37366078). ClinVar contains an entry for this variant (Variation ID: 1073321). Based on the evidence outlined above, the variant was classified as pathogenic.

Labcorp Genetics (formerly Invitae), Labcorp
Classification: Pathogenic for Congenital myasthenic syndrome 12. Last evaluated: 2024-11-27. Review status: criteria provided, single submitter. Criteria: Invitae Variant Classification Sherloc (09022015). Collection method: clinical testing. Allele origin: germline.
Comment: This sequence change replaces arginine, which is basic and polar, with histidine, which is basic and polar, at codon 111 of the GFPT1 protein (p.Arg111His). This variant is present in population databases (rs189717232, gnomAD 0.005%). This missense change has been observed in individuals with congenital myasthenic syndrome (PMID: 28712002). ClinVar contains an entry for this variant (Variation ID: 1073321). Invitae Evidence Modeling of protein sequence and biophysical properties (such as structural, functional, and spatial information, amino acid conservation, physicochemical variation, residue mobility, and thermodynamic stability) indicates that this missense variant is not expected to disrupt GFPT1 protein function with a negative predictive value of 80%. This variant disrupts the p.Arg111 amino acid residue in GFPT1. Other variant(s) that disrupt this residue have been determined to be pathogenic (PMID: 21310273, 23794683, 28712002). This suggests that this residue is clinically significant, and that variants that disrupt this residue are likely to be disease-causing. For these reasons, this variant has been classified as Pathogenic.

CeGaT Center for Human Genetics Tuebingen
Classification: Likely pathogenic. Last evaluated: 2024-04-01. Review status: criteria provided, single submitter. Criteria: CeGaT Center For Human Genetics Tuebingen Variant Classification Criteria Version 2. Collection method: clinical testing. Allele origin: germline. Affected: yes. Observed: 1 variant allele.
Comment: GFPT1: PM3:Strong, PM2, PM5, PP3

Neuberg Centre For Genomic Medicine, NCGM
Classification: Likely pathogenic for Congenital myasthenic syndrome 12. Last evaluated: 2023-03-01. Review status: criteria provided, single submitter. Criteria: ACMG Guidelines, 2015. Collection method: clinical testing. Allele origin: germline. Inheritance: Autosomal recessive inheritance. Affected: yes.
Comment: The missense c.332G>A (p.Arg111His) variant in GFPT1 gene has been reported in compound heterozygous state in individuals affected with myasthenic syndromes (Bauché S et al. 2017; Jiang K et al. 2022). The p.Arg111His variant has allele frequency 0.001% in gnomAD Exomes and is novel (not in any individuals) in 1000 Genomes. This variant has been reported to the ClinVar database as Pathogenic. The amino acid change p.Arg111His in GFPT1 is predicted as conserved by GERP++ and PhyloP across 100 vertebrates. The amino acid Arg at position 111 is changed to a His changing protein sequence and it might alter its composition and physico-chemical properties. Functional studies are required to prove the pathogenicity for the variant, for these reasons, this variant has been classified as Likely Pathogenic.

Literature cited by the submitters: PubMed 28712002 (cited by Women's Health and Genetics/Laboratory Corporation of America, LabCorp and Labcorp Genetics (formerly Invitae), Labcorp); PubMed 34978387 (cited by Women's Health and Genetics/Laboratory Corporation of America, LabCorp); PubMed 37366078 (cited by Women's Health and Genetics/Laboratory Corporation of America, LabCorp); PubMed 21310273 (cited by Labcorp Genetics (formerly Invitae), Labcorp); PubMed 23794683 (cited by Labcorp Genetics (formerly Invitae), Labcorp).